The following is an entry in ClinVar:

NM_001999.4(FBN2):c.6619A>C (p.Thr2207Pro)

Gene: FBN2 (fibrillin 2; minus strand). Cytogenetic location: 5q23.3.
Variant type: single nucleotide variant.
Coding change: c.6619A>C on transcript NM_001999.4 (MANE Select); coding-DNA position 6619, A replaced by C.
Protein change: p.Thr2207Pro; replaces threonine 2207 with proline.
Molecular consequence: missense variant.
Genome position (GRCh38, 1-based): chr5:128,289,145, T>G on the plus strand (A>C on the coding strand, the complement: FBN2 is on the minus strand). VCF-style: chr5-128289145-T-G. GRCh37 (hg19) VCF-style: chr5-127624837-T-G.
Other names: short protein forms T2207P.
Identifiers: ClinVar variation 2162284 (VCV002162284.4), dbSNP rs775041141, ClinGen allele CA360760860.

ClinVar aggregate classification (germline): Uncertain significance (1 of 4 stars; one submission).

Conditions:
Congenital contractural arachnodactyly (CCA). Also called: Arthrogryposis, distal, type 9; BEALS SYNDROME; Beals-Hecht syndrome. Identifiers: Orphanet 115, MedGen C0220668, MONDO:0007363, OMIM 121050.

Submission:

Labcorp Genetics (formerly Invitae), Labcorp
Classification: Uncertain significance for Congenital contractural arachnodactyly. Last evaluated: 2022-12-06. Review status: criteria provided, single submitter. Criteria: Invitae Variant Classification Sherloc (09022015). Collection method: clinical testing. Allele origin: germline.
Comment: Advanced modeling of protein sequence and biophysical properties (such as structural, functional, and spatial information, amino acid conservation, physicochemical variation, residue mobility, and thermodynamic stability) performed at Invitae indicates that this missense variant is not expected to disrupt FBN2 protein function. This sequence change replaces threonine, which is neutral and polar, with proline, which is neutral and non-polar, at codon 2207 of the FBN2 protein (p.Thr2207Pro). This variant is not present in population databases (gnomAD no frequency). This variant has not been reported in the literature in individuals affected with FBN2-related conditions. In summary, the available evidence is currently insufficient to determine the role of this variant in disease. Therefore, it has been classified as a Variant of Uncertain Significance.